The following is an entry in ClinVar:

ClinVar aggregate classification (germline): Conflicting classifications of pathogenicity. Review status: criteria provided, conflicting classifications (1 of 4 stars). 2 submissions from 2 submitters: Uncertain significance (1); Likely benign (1). Last evaluated 2025-10-08.

Conditions:
Inborn genetic diseases. Identifiers: MedGen C0950123, MeSH D030342.

Allele frequency attached by ClinVar (database versions not stated): gnomAD 0.00001 and 0.00006; TOPMed 0.00003; gnomAD exomes 0.00009 and 0.00019; 1000 Genomes Project 30x 0.00016; 1000 Genomes Project 0.00020; ExAC 0.00020.
gnomAD v4.1: 144 of 1,614,032 alleles (0.0089%); highest among the groups gnomAD compares: South Asian, 0.14%; 3 homozygotes.

Submissions (2):

GeneDx
Classification: Uncertain significance. Last evaluated: 2025-10-08. Review status: criteria provided, single submitter. Criteria: GeneDx Variant Classification Process June 2021. Collection method: clinical testing. Allele origin: germline. Affected: yes.
Comment: In silico analysis suggests that this missense variant does not alter protein structure/function; Has not been previously published as pathogenic or benign to our knowledge

Ambry Genetics
Classification: Likely benign for Inborn genetic diseases. Last evaluated: 2023-09-08. Review status: criteria provided, single submitter. Criteria: Ambry Variant Classification Scheme 2023. Collection method: clinical testing. Allele origin: germline.

NM_001863.5(COX6B1):c.136G>A (p.Ala46Thr)

Gene: COX6B1 (cytochrome c oxidase subunit 6B1; plus strand). Cytogenetic location: 19q13.12.
Variant type: single nucleotide variant.
Coding change: c.136G>A on transcript NM_001863.5 (MANE Select); coding-DNA position 136, G replaced by A.
Protein change: p.Ala46Thr; replaces alanine 46 with threonine.
Molecular consequence: missense variant.
Genome position (GRCh38, 1-based): chr19:35,654,600, G>A. VCF-style: chr19-35654600-G-A. GRCh37 (hg19) VCF-style: chr19-36145502-G-A.
Other names: p.A46T:GCT>ACT; c.136G>A, p.Ala46Thr (LRG_1246t1); short protein forms A46T.
Identifiers: ClinVar variation 214275 (VCV000214275.5), dbSNP rs569060938, ClinGen allele CA321529.